The following is an entry in ClinVar:

NM_006514.4(SCN10A):c.890T>G (p.Ile297Ser)

Gene: SCN10A (sodium voltage-gated channel alpha subunit 10; minus strand). Cytogenetic location: 3p22.2.
Variant type: single nucleotide variant.
Coding change: c.890T>G on transcript NM_006514.4 (MANE Select); coding-DNA position 890, T replaced by G.
Protein change: p.Ile297Ser; replaces isoleucine 297 with serine.
Molecular consequence: missense variant.
Genome position (GRCh38, 1-based): chr3:38,760,741, A>C on the plus strand (T>G on the coding strand, the complement: SCN10A is on the minus strand). VCF-style: chr3-38760741-A-C. GRCh37 (hg19) VCF-style: chr3-38802232-A-C.
Other names: c.890T>G, p.Ile297Ser (NM_001293306.2, NM_001293307.2); short protein forms I297S.
Identifiers: ClinVar variation 1472620 (VCV001472620.6), dbSNP rs553913580, ClinGen allele CA2321033.

ClinVar aggregate classification (germline): Uncertain significance. Review status: criteria provided, multiple submitters, no conflicts (2 of 4 stars). 2 submissions from 2 submitters: Uncertain significance (2). Last evaluated 2022-08-27.

Conditions:
Brugada syndrome. Also called: Sudden unexplained nocturnal death syndrome; Sudden Unexplained Death Syndrome; Sudden Unexplained Nocturnal Death Syndrome (SUNDS); Sudden unexpected nocturnal death syndrome. Identifiers: Orphanet 130, MedGen C1142166, MONDO:0015263.
Cardiovascular phenotype. Identifiers: MedGen CN230736.

Allele frequency attached by ClinVar (database versions not stated): ExAC 0.00001; 1000 Genomes Project 30x 0.00016; 1000 Genomes Project 0.00020.
gnomAD v4.1: 2 of 1,613,622 alleles (0.00012%); highest among the groups gnomAD compares: East Asian, 0.0022%; no homozygotes.

Submissions (2):

Ambry Genetics
Classification: Uncertain significance for Cardiovascular phenotype. Last evaluated: 2022-08-27. Review status: criteria provided, single submitter. Criteria: Ambry Variant Classification Scheme 2023. Collection method: clinical testing. Allele origin: germline.
Comment: The p.I297S variant (also known as c.890T>G), located in coding exon 7 of the SCN10A gene, results from a T to G substitution at nucleotide position 890. The isoleucine at codon 297 is replaced by serine, an amino acid with dissimilar properties. This amino acid position is conserved. In addition, this alteration is predicted to be tolerated by in silico analysis. Since supporting evidence is limited at this time, the clinical significance of this alteration remains unclear.

Labcorp Genetics (formerly Invitae), Labcorp
Classification: Uncertain significance for Brugada syndrome. Last evaluated: 2021-08-27. Review status: criteria provided, single submitter. Criteria: Invitae Variant Classification Sherloc (09022015). Collection method: clinical testing. Allele origin: germline.
Comment: In summary, the available evidence is currently insufficient to determine the role of this variant in disease. Therefore, it has been classified as a Variant of Uncertain Significance. Advanced modeling of protein sequence and biophysical properties (such as structural, functional, and spatial information, amino acid conservation, physicochemical variation, residue mobility, and thermodynamic stability) performed at Invitae indicates that this missense variant is not expected to disrupt SCN10A protein function. This variant has not been reported in the literature in individuals affected with SCN10A-related conditions. This variant is present in population databases (rs553913580, ExAC 0.01%). This sequence change replaces isoleucine with serine at codon 297 of the SCN10A protein (p.Ile297Ser). The isoleucine residue is weakly conserved and there is a large physicochemical difference between isoleucine and serine.